The following is an entry in ClinVar:

ClinVar aggregate classification (germline): Benign. Review status: criteria provided, multiple submitters, no conflicts (2 of 4 stars). 9 submissions from 8 submitters: Benign (9). Last evaluated 2026-02-04.

Conditions:
Arthrogryposis multiplex congenita 6. Identifiers: MedGen C5543431, MONDO:0030281, OMIM 619334.
Nemaline myopathy 2 (NEM2). Also called: Nemaline myopathy 2, autosomal recessive. Identifiers: MedGen C1850569, MONDO:0009725, OMIM 256030.

Allele frequency attached by ClinVar (database versions not stated): 1000 Genomes Project 30x 0.54497; 1000 Genomes Project 0.54573; ESP Exome Variant Server 0.59528; TOPMed 0.59790.
gnomAD v4.1: 971,560 of 1,588,490 alleles (61%); highest among the groups gnomAD compares: Admixed American, 72%; 300,328 homozygotes.

Submissions (9):

Labcorp Genetics (formerly Invitae), Labcorp
Classification: Benign for Nemaline myopathy 2. Last evaluated: 2026-02-04. Review status: criteria provided, single submitter. Criteria: Invitae Variant Classification Sherloc (09022015). Collection method: clinical testing. Allele origin: germline.

Blueprint Genetics
Classification: Benign. Last evaluated: 2024-11-26. Review status: criteria provided, single submitter. Criteria: ACMG Guidelines, 2015. Collection method: clinical testing. Allele origin: germline.

Genome-Nilou Lab
Classification: Benign for Arthrogryposis multiplex congenita 6. Last evaluated: 2021-07-10. Review status: criteria provided, single submitter. Criteria: ACMG Guidelines, 2015. Collection method: clinical testing. Allele origin: germline. Affected: no.

Genome-Nilou Lab
Classification: Benign for Nemaline myopathy 2. Last evaluated: 2021-07-10. Review status: criteria provided, single submitter. Criteria: ACMG Guidelines, 2015. Collection method: clinical testing. Allele origin: germline. Affected: no.

Women's Health and Genetics/Laboratory Corporation of America, LabCorp
Classification: Benign. Last evaluated: 2017-02-27. Review status: criteria provided, single submitter. Criteria: LabCorp Variant Classification Summary - May 2015. Collection method: clinical testing. Allele origin: germline.
Comment: Variant summary: The NEB c.22266+18G>C variant involves the alteration of a non-conserved intronic nucleotide. One in silico tool predicts a benign outcome for this variant. 5/5 splice prediction tools predict no significant impact on normal splicing. This variant was found in 71749/120734 control chromosomes (21816 homozygotes) at a frequency of 0.5942734, which is approximately 168 times the estimated maximal expected allele frequency of a pathogenic NEB variant (0.0035355), evidence that this variant is a benign polymorphism. In addition, multiple clinical diagnostic laboratories/reputable databases classified this variant as benign. Taken together, this variant is classified as benign.

GeneDx
Classification: Benign. Last evaluated: 2015-03-03. Review status: criteria provided, single submitter. Criteria: GeneDx Variant Classification Process June 2021. Collection method: clinical testing. Allele origin: germline. Affected: yes.

Eurofins Ntd Llc (ga)
Classification: Benign. Last evaluated: 2013-04-05. Review status: criteria provided, single submitter. Criteria: EGL Classification Definitions 2015. Collection method: clinical testing. Allele origin: germline. Observed: 3 variant alleles, 2 heterozygotes, 1 homozygote.

Breakthrough Genomics
Classification: Benign. Review status: criteria provided, single submitter. Criteria: ACMG Guidelines, 2015. Collection method: not provided. Allele origin: germline. Inheritance: Autosomal recessive inheritance. Affected: yes.

PreventionGenetics, part of Exact Sciences
Classification: Benign. Review status: criteria provided, single submitter. Criteria: ACMG Guidelines, 2015. Collection method: clinical testing. Allele origin: germline.

NM_001164508.2(NEB):c.22161+18G>C

Genes: RIF1 (replication timing regulatory factor 1; plus strand), NEB (nebulin; minus strand). Cytogenetic location: 2q23.3.
Variant type: single nucleotide variant.
Coding change: c.22161+18G>C on transcript NM_001164508.2 (MANE Select); 18 bases into the intron after coding-DNA position 22161, G replaced by C.
Molecular consequence: intron variant.
Genome position (GRCh38, 1-based): chr2:151,525,940, C>G on the plus strand (G>C on the coding strand, the complement: NEB is on the minus strand). VCF-style: chr2-151525940-C-G. GRCh37 (hg19) VCF-style: chr2-152382454-C-G.
Other names: c.17058+18G>C (NM_004543.5); c.22161+18G>C (NM_001164507.2); c.22266+18G>C (NM_001271208.2).
Identifiers: ClinVar variation 95116 (VCV000095116.19), dbSNP rs6721666, ClinGen allele CA148216.
Genomic context (GRCh38, chr2:151,525,940, plus strand): 5'-GGCAACTGACATTATTTCACCAGATTCTACAGTCAAGTGGCATTGTTGCTGCCAAGAGAC[C>G]GGTGGTTGATCACTTACATCACTGACATGCTTGGTCACTTCCTTGACGTGAACAGTGTCC-3'